The following is an entry in ClinVar:

NM_000384.3(APOB):c.8849T>C (p.Ile2950Thr)

Gene: APOB (apolipoprotein B; minus strand). Cytogenetic location: 2p24.1.
Variant type: single nucleotide variant.
Coding change: c.8849T>C on transcript NM_000384.3 (MANE Select); coding-DNA position 8849, T replaced by C.
Protein change: p.Ile2950Thr; replaces isoleucine 2950 with threonine.
Molecular consequence: missense variant.
Genome position (GRCh38, 1-based): chr2:21,008,019, A>G on the plus strand (T>C on the coding strand, the complement: APOB is on the minus strand). VCF-style: chr2-21008019-A-G. GRCh37 (hg19) VCF-style: chr2-21230891-A-G.
Other names: short protein forms I2950T.
Identifiers: ClinVar variation 922577 (VCV000922577.6), dbSNP rs141591543, ClinGen allele CA066060.

ClinVar aggregate classification (germline): Conflicting classifications of pathogenicity. Review status: criteria provided, conflicting classifications (1 of 4 stars). 3 submissions from 3 submitters: Uncertain significance (2); Benign (1). Last evaluated 2026-01-19.

Conditions:
Hypercholesterolemia, autosomal dominant, type B (FHCL2). Also called: Familial Hypercholesterolemia Type B; HYPERCHOLESTEROLEMIA, FAMILIAL, DUE TO LIGAND-DEFECTIVE APOLIPOPROTEIN B; Familial hypercholesterolemia 2; APOB-Related Familial Hypercholesterolemia, Autosomal Dominant; APOLIPOPROTEIN B-100, FAMILIAL DEFECTIVE; APOLIPOPROTEIN B-100, FAMILIAL LIGAND-DEFECTIVE. Identifiers: MedGen C1704417, MONDO:0007751, OMIM 144010.
Familial hypobetalipoproteinemia 1. Also called: Hypobetalipoproteinemia, normotriglyceridemic; Acanthocytosis with hypobetalipoproteinemia; APOB-Related Familial Hypobetalipoproteinemia. Identifiers: MedGen C4551990, MONDO:0014252, OMIM 615558.
Cardiovascular phenotype. Identifiers: MedGen CN230736.

Allele frequency attached by ClinVar (database versions not stated): gnomAD 0.00001 and 0.00003; TOPMed 0.00001; gnomAD exomes 0.00003; ExAC 0.00005; ESP Exome Variant Server 0.00008; 1000 Genomes Project 30x 0.00031; 1000 Genomes Project 0.00040.
gnomAD v4.1: 38 of 1,614,044 alleles (0.0024%); highest among the groups gnomAD compares: East Asian, 0.038%; no homozygotes.

Submissions (3):

Labcorp Genetics (formerly Invitae), Labcorp
Classification: Benign for Familial hypobetalipoproteinemia 1; Hypercholesterolemia, autosomal dominant, type B. Last evaluated: 2026-01-19. Review status: criteria provided, single submitter. Criteria: Invitae Variant Classification Sherloc (09022015). Collection method: clinical testing. Allele origin: germline.

Neuberg Centre For Genomic Medicine, NCGM
Classification: Uncertain significance for Hypercholesterolemia, autosomal dominant, type B. Last evaluated: 2023-07-22. Review status: criteria provided, single submitter. Criteria: ACMG Guidelines, 2015. Collection method: clinical testing. Allele origin: germline. Inheritance: Autosomal dominant inheritance. Affected: yes.
Comment: The observed missense variant c.8849T>Cp.Ile2950Thr in APOB gene has been reported previously in a myocardial infarction cohort and a hypertriglyceridemia cohort Matsunaga A, et al., 2020, Rangaraju A, et al., 2018. This variant is reported with 0.003% allele frequency in gnomAD Exomes. It has been submitted to ClinVar as Uncertain Significance. Multiple lines of computational evidence SIFT-Tolerated and Mutation Taster-Polymorphism automatic predict no damaging effect on protein structure and function for this variant. The amino acid Ile at position 2950 is changed to a Thr changing protein sequence and it might alter its composition and physico-chemical properties. The reference amino acid p.Ile2950Thr in APOB is predicted as conserved by GERP++ and PhyloP across 100 vertebrates. For these reasons, this variant has been classified as Uncertain Significance.

Ambry Genetics
Classification: Uncertain significance for Cardiovascular phenotype. Last evaluated: 2022-01-19. Review status: criteria provided, single submitter. Criteria: Ambry Variant Classification Scheme 2023. Collection method: clinical testing. Allele origin: germline.
Comment: The p.I2950T variant (also known as c.8849T>C), located in coding exon 26 of the APOB gene, results from a T to C substitution at nucleotide position 8849. The isoleucine at codon 2950 is replaced by threonine, an amino acid with similar properties. This alteration has been reported in a myocardial infarction cohort and a hypertriglyceridemia cohort, the later which also noted variants in other cardiac-related genes (Rangaraju A et al. Indian Pacing Electrophysiol J Feb;18:91-94; Matsunaga A et al. J Atheroscler Thromb, 2020 Dec;27:1264-1277). This amino acid position is poorly conserved in available vertebrate species. In addition, this alteration is predicted to be tolerated by in silico analysis. Since supporting evidence is limited at this time, the clinical significance of this alteration remains unclear.

Literature cited by the submitters: PubMed 29396286 (cited by Ambry Genetics); PubMed 32115487 (cited by Ambry Genetics).